The following is an entry in ClinVar:

ClinVar aggregate classification (germline): Uncertain significance (1 of 4 stars; one submission).

Conditions:
Developmental and epileptic encephalopathy, 30 (DEE30). Also called: Epileptic encephalopathy, early infantile, 30. Identifiers: MedGen C4225360, MONDO:0014595, OMIM 616341.

Allele frequency attached by ClinVar (database versions not stated): gnomAD exomes below 0.00001; ExAC 0.00001.

Submission:

Labcorp Genetics (formerly Invitae), Labcorp
Classification: Uncertain significance for Developmental and epileptic encephalopathy, 30. Last evaluated: 2019-12-30. Review status: criteria provided, single submitter. Criteria: Invitae Variant Classification Sherloc (09022015). Collection method: clinical testing. Allele origin: germline.
Comment: In summary, the available evidence is currently insufficient to determine the role of this variant in disease. Therefore, it has been classified as a Variant of Uncertain Significance. Algorithms developed to predict the effect of missense changes on protein structure and function output the following: SIFT: "Tolerated"; PolyPhen-2: "Benign"; Align-GVGD: "Class C0". The valine amino acid residue is found in multiple mammalian species, suggesting that this missense change does not adversely affect protein function. These predictions have not been confirmed by published functional studies and their clinical significance is uncertain. This variant has not been reported in the literature in individuals with SIK1-related conditions. This variant is present in population databases (rs767335982, ExAC 0.009%). This sequence change replaces isoleucine with valine at codon 269 of the SIK1 protein (p.Ile269Val). The isoleucine residue is moderately conserved and there is a small physicochemical difference between isoleucine and valine.

NM_173354.5(SIK1):c.805A>G (p.Ile269Val)

Gene: SIK1 (salt inducible kinase 1; minus strand). Cytogenetic location: 21q22.3.
Variant type: single nucleotide variant.
Coding change: c.805A>G on transcript NM_173354.5 (MANE Select); coding-DNA position 805, A replaced by G.
Protein change: p.Ile269Val; replaces isoleucine 269 with valine.
Molecular consequence: missense variant.
Genome position (GRCh38, 1-based): chr21:43,420,401, T>C on the plus strand (A>G on the coding strand, the complement: SIK1 is on the minus strand). VCF-style: chr21-43420401-T-C. GRCh37 (hg19) VCF-style: chr21-44840281-T-C.
Other names: short protein forms I269V.
Identifiers: ClinVar variation 838185 (VCV000838185.12), dbSNP rs767335982, ClinGen allele CA321326931.
Genomic context (GRCh38, chr21:43,420,401, plus strand): 5'-AGGCGGGTCCCGGCAAGCAGGGCTCAGCCCGCATCCACCGGTGCTGCCGGATCTGGGCGA[T>C]GGTGATGCGCCTGGCGGGGTCCACCACCAGCATGCGGCGGATCAGGCTCTCACAGTCTGT-3'
Protein context (NP_775490.2, residues 259-279): LVVDPARRIT[Ile269Val]AQIRQHRWMR